The following is an entry in ClinVar:

ClinVar aggregate classification (germline): Pathogenic. Review status: criteria provided, multiple submitters, no conflicts (2 of 4 stars). 4 submissions from 4 submitters: Pathogenic (3). 1 of the submissions does not count toward it. Last evaluated 2023-08-12.

Conditions:
Inborn genetic diseases. Identifiers: MedGen C0950123, MeSH D030342.
DeSanto-Shinawi syndrome due to WAC point mutation (DESSH). Also called: Facial dysmorphism-developmental delay-behavioral abnormalities syndrome due to WAC point mutation; WAC-Related Intellectual Disability; DEVELOPMENTAL DELAY, BEHAVIORAL ABNORMALITIES, FACIAL DYSMORPHISM, AND OCULAR ABNORMALITIES. Identifiers: Orphanet 284169, Orphanet 466950, MedGen C5681129, MONDO:0014741, OMIM 616708.

Submissions (4):

Labcorp Genetics (formerly Invitae), Labcorp
Classification: Pathogenic. Last evaluated: 2023-08-12. Review status: criteria provided, single submitter. Criteria: Invitae Variant Classification Sherloc (09022015). Collection method: clinical testing. Allele origin: germline.
Comment: For these reasons, this variant has been classified as Pathogenic. ClinVar contains an entry for this variant (Variation ID: 219139). This premature translational stop signal has been observed in individual(s) with WAC-related conditions (PMID: 25356899). In at least one individual the variant was observed to be de novo. This variant is not present in population databases (gnomAD no frequency). This sequence change creates a premature translational stop signal (p.Glu88Glyfs*103) in the WAC gene. It is expected to result in an absent or disrupted protein product. Loss-of-function variants in WAC are known to be pathogenic (PMID: 26264232, 26757981).

Ambry Genetics
Classification: Pathogenic for Inborn genetic diseases. Last evaluated: 2023-05-19. Review status: criteria provided, single submitter. Criteria: Ambry Variant Classification Scheme 2023. Collection method: clinical testing. Allele origin: germline.
Comment: The c.263_266delAGAG (p.E88Gfs*103) alteration, located in coding exon 3 of the WAC gene, results from a deletion of 4 nucleotides from position 263 to 266, causing a translational frameshift with a predicted alternate stop codon after 103 amino acids. This alteration is expected to result in loss of function by premature protein truncation or nonsense-mediated mRNA decay. This variant was not reported in population-based cohorts in the Genome Aggregation Database (gnomAD). Based on the available evidence, this alteration is classified as pathogenic.

GeneDx
Classification: Pathogenic. Last evaluated: 2022-10-13. Review status: criteria provided, single submitter. Criteria: GeneDx Variant Classification Process June 2021. Collection method: clinical testing. Allele origin: germline. Affected: yes.
Comment: Frameshift variant predicted to result in protein truncation or nonsense mediated decay in a gene for which loss-of-function is a known mechanism of disease; Not observed at a significant frequency in large population cohorts (gnomAD); This variant is associated with the following publications: (PMID: 33004838, 30564305, 25356899)

OMIM
Classification: Pathogenic for DESANTO-SHINAWI SYNDROME. Last evaluated: 2014-10-01. Review status: no assertion criteria provided. Collection method: literature only. Allele origin: germline. Not counted in ClinVar's aggregate classification.

Literature cited by the submitters: PubMed 25356899 (cited by 3 submitters); PubMed 26264232 (cited by Labcorp Genetics (formerly Invitae), Labcorp); PubMed 26757981 (cited by Labcorp Genetics (formerly Invitae), Labcorp); PubMed 30564305 (cited by Ambry Genetics).

NM_016628.5(WAC):c.263_266del (p.Glu88fs)

Gene: WAC (WW domain containing adaptor with coiled-coil; plus strand). Cytogenetic location: 10p12.1.
Variant type: Microsatellite.
Coding change: c.263_266del on transcript NM_016628.5 (MANE Select); coding-DNA positions 263 to 266, 4 bases deleted (AGAG; older notation c.263_266delAGAG).
Protein change: p.Glu88fs; shifts the reading frame from glutamic acid 88.
Molecular consequence: frameshift variant.
Genome position (GRCh38, 1-based): chr10:28,535,746-28,535,749, AGAG deleted; deleting any 4 consecutive bases within chr10:28,535,742-28,535,749 gives the same sequence; the c. name uses the placement nearest the transcript's 3' end. VCF-style (leftmost placement, unchanged base first): chr10-28535741-TAGAG-T. GRCh37 (hg19) VCF-style: chr10-28824670-TAGAG-T.
Other names: c.263_266delAGAG (NM_016628.4); c.128_131del, p.Glu43fs (NM_100264.3); c.263_266del, p.Glu88fs (NM_100486.4); short protein forms E88fs, E43fs.
Identifiers: ClinVar variation 219139 (VCV000219139.13), dbSNP rs864321689, ClinGen allele CA347920.
Genomic context (GRCh38, chr10:28,535,741, plus strand): 5'-AAACAAATACAGTGACAGCACAGGTCACAGTAAGGCCAAAAATGTGCATACTCACAGAGT[TAGAG>T]AGAGGGATGGTGGTGAGTATCTTTCTTGTTGAAACTTTGACATACAGTTTTAACAATAGC-3'